The following is an entry in ClinVar:

ClinVar aggregate classification (germline): Uncertain significance (1 of 4 stars; one submission).

Submission:

GeneDx
Classification: Uncertain significance. Last evaluated: 2024-03-26. Review status: criteria provided, single submitter. Criteria: GeneDx Variant Classification Process June 2021. Collection method: clinical testing. Allele origin: germline. Affected: yes.
Comment: Not observed at significant frequency in large population cohorts (gnomAD); In silico analysis supports that this missense variant has a deleterious effect on protein structure/function; Has not been previously published as pathogenic or benign to our knowledge

NM_025150.5(TARS2):c.1922T>C (p.Leu641Pro)

Gene: TARS2 (threonyl-tRNA synthetase 2, mitochondrial; plus strand). Cytogenetic location: 1q21.2.
Variant type: single nucleotide variant.
Coding change: c.1922T>C on transcript NM_025150.5 (MANE Select); coding-DNA position 1922, T replaced by C.
Protein change: p.Leu641Pro; replaces leucine 641 with proline.
Molecular consequence: missense variant. On other transcripts: non-coding transcript variant (2).
Genome position (GRCh38, 1-based): chr1:150,505,619, T>C. VCF-style: chr1-150505619-T-C. GRCh37 (hg19) VCF-style: chr1-150478095-T-C.
Other names: c.1676T>C, p.Leu559Pro (NM_001271895.2); c.1532T>C, p.Leu511Pro (NM_001271896.2); short protein forms L511P, L559P, L641P.
Identifiers: ClinVar variation 3371408 (VCV003371408.1).